The following is an entry in ClinVar:

NM_001376.5(DYNC1H1):c.1462-323G>A

Gene: DYNC1H1 (dynein cytoplasmic 1 heavy chain 1; plus strand). Cytogenetic location: 14q32.31.
Variant type: single nucleotide variant.
Coding change: c.1462-323G>A on transcript NM_001376.5 (MANE Select); 323 bases into the intron before coding-DNA position 1462, G replaced by A.
Molecular consequence: intron variant.
Genome position (GRCh38, 1-based): chr14:101,985,364, G>A. VCF-style: chr14-101985364-G-A. GRCh37 (hg19) VCF-style: chr14-102451701-G-A.
Identifiers: ClinVar variation 668893 (VCV000668893.1), dbSNP rs4900528, ClinGen allele CA16499212.

ClinVar aggregate classification (germline): Benign (1 of 4 stars; one submission).

Allele frequency attached by ClinVar (database versions not stated): gnomAD 0.20913 and 0.21014; TOPMed 0.22040; 1000 Genomes Project 0.25938; 1000 Genomes Project 30x 0.26015.
gnomAD v4.1: 31,511 of 151,448 alleles (21%); highest among the groups gnomAD compares: African/African-American, 41%; 4,580 homozygotes.

Submission:

GeneDx
Classification: Benign. Last evaluated: 2018-06-18. Review status: criteria provided, single submitter. Criteria: GeneDx Variant Classification (06012015). Collection method: clinical testing. Allele origin: germline. Affected: yes.
Comment: This variant is considered likely benign or benign based on one or more of the following criteria: it is a conservative change, it occurs at a poorly conserved position in the protein, it is predicted to be benign by multiple in silico algorithms, and/or has population frequency not consistent with disease.